The following is an entry in ClinVar:

ClinVar aggregate classification (germline): Likely benign (1 of 4 stars; one submission).

Submission:

GeneDx
Classification: Likely benign. Last evaluated: 2011-12-22. Review status: criteria provided, single submitter. Criteria: GeneDx Variant Classification (06012015). Collection method: clinical testing. Allele origin: germline. Affected: yes.
Comment: The variant is found in CPVT panel(s).

NM_001232.4(CASQ2):c.1185del (p.Asp395fs)

Gene: CASQ2 (calsequestrin 2; minus strand). Cytogenetic location: 1p13.1.
Variant type: Deletion.
Coding change: c.1185del on transcript NM_001232.4 (MANE Select); coding-DNA position 1185, one base deleted (C; older notation c.1185delC).
Protein change: p.Asp395fs; shifts the reading frame from aspartic acid 395.
Molecular consequence: frameshift variant.
Genome position (GRCh38, 1-based): chr1:115,701,256, G deleted on the plus strand (C on the coding strand, the reverse complement: CASQ2 is on the minus strand). VCF-style (leftmost placement, unchanged base first): chr1-115701255-CG-C. GRCh37 (hg19) VCF-style: chr1-116243876-CG-C.
Other names: c.1185delC (NM_001232.3); short protein forms D395fs.
Identifiers: ClinVar variation 190739 (VCV000190739.1), dbSNP rs786205789, ClinGen allele CA301890.